The following is an entry in ClinVar:

NM_018896.5(CACNA1G):c.2209C>G (p.Arg737Gly)

Gene: CACNA1G (calcium voltage-gated channel subunit alpha1 G; plus strand). Cytogenetic location: 17q21.33.
Variant type: single nucleotide variant.
Coding change: c.2209C>G on transcript NM_018896.5 (MANE Select); coding-DNA position 2209, C replaced by G.
Protein change: p.Arg737Gly; replaces arginine 737 with glycine.
Molecular consequence: missense variant. On other transcripts: non-coding transcript variant (5).
Genome position (GRCh38, 1-based): chr17:50,578,472, C>G. VCF-style: chr17-50578472-C-G. GRCh37 (hg19) VCF-style: chr17-48655833-C-G.
Other names: c.2209C>G, p.Arg737Gly (NM_001256324.2, NM_001256325.2, NM_001256326.2 and 24 more transcripts); short protein forms R737G.
Identifiers: ClinVar variation 3372842 (VCV003372842.1).
Genomic context (GRCh38, chr17:50,578,472, plus strand): 5'-GGCCCAGATGCAGAGCCCAGCTCTGTGCTGGCCTTCTGGAGGCTAATCTGTGACACCTTC[C>G]GAAAGATTGTGGACAGCAAGTACTTTGGCCGGGGAATCATGATCGCCATCCTGGTCAACA-3'
Protein context (NP_061496.2, residues 727-747): AFWRLICDTF[Arg737Gly]KIVDSKYFGR

ClinVar aggregate classification (germline): Uncertain significance (1 of 4 stars; one submission).

gnomAD v4.1: 3 of 1,595,130 alleles (0.00019%); highest among the groups gnomAD compares: African/African-American, 0.004%; no homozygotes.

Submission:

GeneDx
Classification: Uncertain significance. Last evaluated: 2024-04-23. Review status: criteria provided, single submitter. Criteria: GeneDx Variant Classification Process June 2021. Collection method: clinical testing. Allele origin: germline. Affected: yes.
Comment: In silico analysis supports that this missense variant has a deleterious effect on protein structure/function; Has not been previously published as pathogenic or benign to our knowledge